The following is an entry in ClinVar:

ClinVar aggregate classification (germline): Pathogenic/Likely pathogenic. Review status: criteria provided, multiple submitters, no conflicts (2 of 4 stars). 18 submissions from 18 submitters: Pathogenic (15); Likely pathogenic (1). 2 of the submissions do not count toward it. Last evaluated 2026-09-07.

Conditions:
21-Hydroxylase-Deficient Congenital Adrenal Hyperplasia. Also called: ADRENAL HYPERPLASIA, CONGENITAL, DUE TO 21-HYDROXYLASE DEFICIENCY; ADRENAL HYPERPLASIA III. Identifiers: MedGen C2936858, OMIM 201910.

Submissions 1 to 11 of 18:

Hema, HEMA – Genetic and Molecular Diagnostic Laboratory
Classification: Pathogenic for 21-Hydroxylase-Deficient Congenital Adrenal Hyperplasia. Last evaluated: 2026-09-07. Review status: criteria provided, single submitter. Criteria: HEMA Variant Classification Assertion Criteria. Collection method: clinical testing. Allele origin: germline.
Comment: The variant NM_000500.9:c.923dup p.(Leu308PhefsTer6) is a duplication of a thymine nucleotide that results in a frameshift in CYP21A2. In the literature, it can be found described as F306+1nt, F306+T, F306+nt, or L307 frameshift. PVS1: Null variant (frameshift) in a gene for which loss of function is a known disease mechanism. The variant c.923dup p.(Leu308PhefsTer6) in the CYP21A2 gene is a frameshift variant that introduces a premature stop codon in exon 7/10, which is predicted to lead to nonsense-mediated decay (NMD) of the transcript. PM3_VeryStrong: The variant has been reported in conjunction with other pathogenic variants in CYP21A2 in more than 20 individuals with congenital adrenal hyperplasia (PMID: 7635470, 16427797, 27185867, 30995443).

Department of Medical Genetics, Ordu University Medical School Training and Research Hospital
Classification: Pathogenic for 21-Hydroxylase-Deficient Congenital Adrenal Hyperplasia. Last evaluated: 2026-07-18. Review status: criteria provided, single submitter. Criteria: ACMG Guidelines, 2015. Collection method: research. Allele origin: germline. Inheritance: Autosomal recessive inheritance. Affected: yes. Observed: 3 variant alleles, 3 heterozygotes.
Comment: This variant (NM_000500.9:c.923dup, p.Leu308fs) is a frameshift allele causing the classic salt-wasting form of 21-hydroxylase deficiency. ACMG/AMP criteria applied: PVS1 (frameshift predicted to result in loss of function through a premature stop codon / nonsense-mediated decay, an established disease mechanism for CYP21A2), PP4 (phenotype specific for CYP21A2 disease), and PP5 (reported Pathogenic in ClinVar). Combined evidence meets the ACMG 2015 criteria for a Pathogenic classification.

Medical and Scientific Branch, Hong Kong Genome Institute
Classification: Likely pathogenic for 21-Hydroxylase-Deficient Congenital Adrenal Hyperplasia. Last evaluated: 2026-01-26. Review status: criteria provided, single submitter. Criteria: ACMG Guidelines, 2015. Collection method: clinical testing. Allele origin: paternal. Affected: yes.

Labcorp Genetics (formerly Invitae), Labcorp
Classification: Pathogenic. Last evaluated: 2026-01-13. Review status: criteria provided, single submitter. Criteria: Invitae Variant Classification Sherloc (09022015). Collection method: clinical testing. Allele origin: germline.
Comment: This sequence change creates a premature translational stop signal (p.Leu308Phefs*6) in the CYP21A2 gene. It is expected to result in an absent or disrupted protein product. Loss-of-function variants in CYP21A2 are known to be pathogenic (PMID: 10857554). The frequency data for this variant in the population databases (gnomAD) is considered unreliable due to the presence of homologous sequence, such as pseudogenes or paralogs, in the genome. This premature translational stop signal has been observed in individual(s) with classic salt-wasting and simple virilizing congenital adrenal hyperplasia due to 21-hydroxylase deficiency (PMID: 1644925, 26804566, 28392195, 30995443, 31446012). This variant is also known as F306+T. ClinVar contains an entry for this variant (Variation ID: 65611). For these reasons, this variant has been classified as Pathogenic.

Lildballe Lab, Aarhus University Hospital
Classification: Pathogenic for congenital adrenal hyperplasia, due to 21-hydroxylase deficiency. Last evaluated: 2025-10-09. Review status: criteria provided, single submitter. Criteria: ACMG Guidelines, 2015. Collection method: research. Allele origin: germline. Affected: yes.
Comment: PM3very strong PS3sup PVS1 PM2sup

Center of Human Genetics, Hôpital Erasme
Classification: Pathogenic for 21-Hydroxylase-Deficient Congenital Adrenal Hyperplasia. Last evaluated: 2025-01-01. Review status: criteria provided, single submitter. Criteria: ACMG Guidelines, 2015. Collection method: clinical testing. Allele origin: inherited. Affected: yes.

Athena Diagnostics
Classification: Pathogenic. Last evaluated: 2024-10-17. Review status: criteria provided, single submitter. Criteria: Athena Diagnostics Criteria. Collection method: clinical testing. Allele origin: unknown.
Comment: This variant is expected to result in the loss of a functional protein. This variant is located in a genomic region of low or unreliable sequencing quality, and therefore estimations of its population frequency are uninformative in assessment of variant pathogenicity. In multiple individuals with congenital adrenal hyperplasia, this variant has been seen in trans with other recessive pathogenic variants in CYP21A2.

3billion
Classification: Pathogenic for 21-Hydroxylase-Deficient Congenital Adrenal Hyperplasia. Last evaluated: 2023-07-18. Review status: criteria provided, single submitter. Criteria: ACMG Guidelines, 2015. Collection method: clinical testing. Allele origin: germline. Affected: yes.
Comment: The variant is observed at an extremely low frequency in the gnomAD v2.1.1 dataset (total allele frequency: 0.006%). Predicted Consequence/Location: Frameshift: predicted to result in a loss or disruption of normal protein function through nonsense-mediated decay (NMD) or protein truncation. Multiple pathogenic variants are reported downstream of the variant. The variant has been reported at least twice as pathogenic with clinical assertions and evidence for the classification (ClinVar ID: VCV000065611 /PMID: 1644925 /3billion dataset). Therefore, this variant is classified as Pathogenic according to the recommendation of ACMG/AMP guideline.

Victorian Clinical Genetics Services, Murdoch Childrens Research Institute
Classification: Pathogenic for 21-Hydroxylase-Deficient Congenital Adrenal Hyperplasia. Last evaluated: 2023-07-16. Review status: criteria provided, single submitter. Criteria: ACMG Guidelines, 2015. Collection method: clinical testing. Allele origin: germline. Inheritance: Autosomal recessive inheritance. Affected: no.
Comment: Based on the classification scheme VCGS_Germline_v1.3.4, this variant is classified as Pathogenic. Following criteria are met: 0102 - Loss of function is a known mechanism of disease in this gene and is associated with congenital adrenal hyperplasia due to 21-hydroxylase deficiency (MIM#201910) and hyperandrogenism nonclassic type due to 21-hydroxylase deficiency (MIM#201910). (I) 0106 - This gene is associated with autosomal recessive disease. (I) 0201 - Variant is predicted to cause nonsense-mediated decay (NMD) and loss of protein (premature termination codon is located at least 54 nucleotides upstream of the final exon-exon junction). (SP) 0251 - This variant is heterozygous (according to Fulgent Genetics report). (I) 0304 - Variant is present in gnomAD <0.01 for a recessive condition (v3: 2 heterozygotes, 0 homozygotes). (SP) 0701 - Other variants predicted to result in NMD comparable to the one identified in this case have very strong previous evidence for pathogenicity (DECIPHER). (SP) 0801 - This variant has very strong previous evidence of pathogenicity in unrelated individuals. It has been detected in multiple compound heterozygous patients including as part of complex alleles harbouring multiple variants (ClinVar, LOVD, PMIDs: 35079965, 26804566). (SP) 1208 - Inheritance information for this variant is not currently available in this individual. (I) Legend: (SP) - Supporting pathogenic, (I) - Information, (SB) - Supporting benign

Quest Diagnostics Nichols Institute San Juan Capistrano
Classification: Pathogenic. Last evaluated: 2023-04-13. Review status: criteria provided, single submitter. Criteria: Quest Diagnostics criteria. Collection method: clinical testing. Allele origin: unknown.
Comment: The c.923dup pathogenic variant (also known as F306+1nt, F306+ T, and L307 frameshift) alters the translation reading frame of the CYP21A2 mRNA and causes the premature termination (p.Leu308Phefs*6) of CYP21A2 protein synthesis. This pathogenic variant is associated with salt-wasting CAH. Based on the available information, this variant is classified as pathogenic.

Women's Health and Genetics/Laboratory Corporation of America, LabCorp
Classification: Pathogenic for 21-Hydroxylase-Deficient Congenital Adrenal Hyperplasia. Last evaluated: 2023-02-20. Review status: criteria provided, single submitter. Criteria: LabCorp Variant Classification Summary - May 2015. Collection method: clinical testing. Allele origin: germline.
Comment: Variant summary: CYP21A2 c.923dupT (p.Leu308PhefsX6) results in a premature termination codon, predicted to cause a truncation of the encoded protein or absence of the protein due to nonsense mediated decay, which are commonly known mechanisms for disease. Truncations downstream of this position have been classified as pathogenic by our laboratory. The variant was absent in 246362 control chromosomes. c.923dupT has been reported in the literature in multiple individuals affected with Congenital Adrenal Hyperplasia (de Carvalho_2016, Ezquieta_1995, Friaes_2006, Higashi_1991, Luczay_2006, Speiser_1992), and some of these individuals are reported with other (likely) pathogenic variants in trans. These data indicate that the variant is very likely to be associated with disease. At least one publication reports experimental evidence evaluating an impact on enzymatic activity, finding reduced activity when combined with a missense variant as compared to the missense variant alone or the wildtype construct (Khajuria_2018). Eight submitters have provided clinical-significance assessments for this variant to ClinVar after 2014, and all laboratories classified the variant as pathogenic. Based on the evidence outlined above, the variant was classified as pathogenic.

NM_000500.9(CYP21A2):c.923dup (p.Leu308fs)

Genes: CYP21A2 (cytochrome P450 family 21 subfamily A member 2; plus strand), LOC106780800 (CYP21A2 recombination region; plus strand). Cytogenetic location: 6p21.33.
Variant type: Duplication.
Coding change: c.923dup on transcript NM_000500.9 (MANE Select); coding-DNA position 923, one base duplicated (T; older notation c.923dupT).
Protein change: p.Leu308fs; shifts the reading frame from leucine 308.
Molecular consequence: frameshift variant.
Genome position (GRCh38, 1-based): chr6:32,040,189, T duplicated; the last of 7 consecutive T bases (chr6:32,040,183-32,040,189); duplicating any one gives the same sequence. VCF-style (leftmost placement, unchanged base first): chr6-32040182-G-GT. GRCh37 (hg19) VCF-style: chr6-32007959-G-GT.
Other names: p.Leu308PhefsTer6 (legacy 306insT / p.Leu307fs); dbSNP:rs267606756; c.923dup (NM_000500.7); c.923dupT (NM_000500.9, NM_000500.7); c.833dup, p.Leu278fs (NM_001128590.4); c.518dup, p.Leu173fs (NM_001368143.2, NM_001368144.2); short protein forms L173fs, L308fs, L278fs.
Identifiers: ClinVar variation 65611 (VCV000065611.29), dbSNP rs267606756, ClinGen allele CA344934.
Genomic context (GRCh38, chr6:32,040,182, plus strand): 5'-GCAGTGGACCTCCTGATCGGTGGCACTGAGACCACAGCAAACACCCTCTCCTGGGCCGTG[G>GT]TTTTTTTGCTTCACCACCCTGAGGTGCGTCCTGGGGACAAGCAAAAGGCTCCTTCCCAGC-3'